The following is an entry in ClinVar:

NM_022148.4(CRLF2):c.730G>A (p.Val244Met)

Gene: CRLF2 (cytokine receptor like factor 2; minus strand). Cytogenetic location: Xp22.33.
Variant type: single nucleotide variant.
Coding change: c.730G>A on transcript NM_022148.4 (MANE Select); coding-DNA position 730, G replaced by A.
Protein change: p.Val244Met; replaces valine 244 with methionine.
Molecular consequence: missense variant. On other transcripts: non-coding transcript variant (1).
Genome position (GRCh38, 1-based): chrX:1,196,817, C>T on the plus strand (G>A on the coding strand, the complement: CRLF2 is on the minus strand). VCF-style: chrX-1196817-C-T. GRCh37 (hg19) VCF-style: chrX-1314931-C-T.
Other names: c.394G>A, p.Val132Met (NM_001012288.3); short protein forms V132M, V244M.
Identifiers: ClinVar variation 133950 (VCV000133950.1), dbSNP rs151218732, ClinGen allele CA158223.

ClinVar aggregate classification (germline): not provided (0 of 4 stars; one submission).

Allele frequency attached by ClinVar (database versions not stated): 1000 Genomes Project 0.05642; 1000 Genomes Project 30x 0.05994; ExAC 0.06156; TOPMed 0.07005; ESP Exome Variant Server 0.07437; gnomAD 0.07640.

Submission:

ITMI
No classification provided. Condition: AllHighlyPenetrant. Last evaluated: 2013-09-19. Review status: no classification provided. Collection method: reference population. Allele origin: germline.
Comment: Please see associated publication for description of ethnicities

Literature cited by the submitters: PubMed 24728327.